The following is an entry in ClinVar:

ClinVar aggregate classification (germline): Likely benign. Review status: criteria provided, multiple submitters, no conflicts (2 of 4 stars). 5 submissions from 5 submitters: Likely benign (5). Last evaluated 2025-11-10.

Conditions:
Catecholaminergic polymorphic ventricular tachycardia (CVPT). Also called: Catecholamine-induced polymorphic ventricular tachycardia. Identifiers: Orphanet 3286, MedGen C5574922, MONDO:0017990.
Catecholaminergic polymorphic ventricular tachycardia 1. Also called: VENTRICULAR TACHYCARDIA, CATECHOLAMINERGIC POLYMORPHIC, 1, WITH OR WITHOUT ATRIAL DYSFUNCTION AND/OR DILATED CARDIOMYOPATHY; VENTRICULAR TACHYCARDIA, STRESS-INDUCED POLYMORPHIC 1; RYR2-Related Catecholaminergic Polymorphic Ventricular Tachycardia. Identifiers: Orphanet 3286, MedGen C1631597, MONDO:0011484, OMIM 604772.
Cardiomyopathy (CMYO). Also called: Cardiomyopathies. Identifiers: Orphanet 167848, MedGen C0878544, MONDO:0004994, HP:0001638. Inheritance: Various modes of inheritance.
Cardiovascular phenotype. Identifiers: MedGen CN230736.

Allele frequency attached by ClinVar (database versions not stated): gnomAD exomes 0.00001; ExAC 0.00003; gnomAD 0.00004 and 0.00005; TOPMed 0.00004; 1000 Genomes Project 30x 0.00016.

Submissions (5):

Labcorp Genetics (formerly Invitae), Labcorp
Classification: Likely benign for Catecholaminergic polymorphic ventricular tachycardia 1. Last evaluated: 2025-11-10. Review status: criteria provided, single submitter. Criteria: Invitae Variant Classification Sherloc (09022015). Collection method: clinical testing. Allele origin: germline.

All of Us Research Program, National Institutes of Health
Classification: Likely benign for Catecholaminergic polymorphic ventricular tachycardia. Last evaluated: 2024-09-23. Review status: criteria provided, single submitter. Criteria: ACMG Guidelines, 2015. Collection method: clinical testing. Allele origin: germline. Inheritance: Autosomal dominant inheritance. Observed: 2 variant alleles, 2 heterozygotes.
Comment: This study involves interpretation of variants in research participants for the purpose of population health screening. Participant phenotype was not available at the time of variant classification. Additional details can be found in publication PMID: 35346344, PMCID: PMC8962531

Ambry Genetics
Classification: Likely benign for Cardiovascular phenotype. Last evaluated: 2023-04-03. Review status: criteria provided, single submitter. Criteria: Ambry Variant Classification Scheme 2023. Collection method: clinical testing. Allele origin: germline.

GeneDx
Classification: Likely benign. Last evaluated: 2021-03-15. Review status: criteria provided, single submitter. Criteria: GeneDx Variant Classification Process June 2021. Collection method: clinical testing. Allele origin: germline. Affected: yes.

Color Diagnostics, LLC DBA Color Health
Classification: Likely benign for Cardiomyopathy. Last evaluated: 2019-10-08. Review status: criteria provided, single submitter. Criteria: ACMG Guidelines, 2015. Collection method: clinical testing. Allele origin: germline.

NM_001035.3(RYR2):c.4707A>G (p.Gly1569=)

Gene: RYR2 (ryanodine receptor 2; plus strand). Cytogenetic location: 1q43.
Variant type: single nucleotide variant.
Coding change: c.4707A>G on transcript NM_001035.3 (MANE Select); coding-DNA position 4707, A replaced by G.
Protein change: p.Gly1569=; no amino-acid change (glycine 1569 retained).
Molecular consequence: synonymous variant.
Genome position (GRCh38, 1-based): chr1:237,610,785, A>G. VCF-style: chr1-237610785-A-G. GRCh37 (hg19) VCF-style: chr1-237774085-A-G.
Identifiers: ClinVar variation 699651 (VCV000699651.18), dbSNP rs761012789, ClinGen allele CA086713.